The following is an entry in ClinVar:

ClinVar aggregate classification (germline): Uncertain significance (1 of 4 stars; one submission).

Conditions:
Autosomal dominant nocturnal frontal lobe epilepsy 5. Also called: Epilepsy, nocturnal frontal lobe, 5; CILIARY DYSKINESIA, PRIMARY, 28, WITHOUT SITUS INVERSUS; CILIARY DYSKINESIA, PRIMARY, 28, WITH SITUS INVERSUS; KCNT1-Related Epilepsy. Identifiers: Orphanet 98784, MedGen C3554306, MONDO:0014002, OMIM 615005.
Developmental and epileptic encephalopathy, 14 (DEE14). Also called: Early infantile epileptic encephalopathy 14. Identifiers: Orphanet 293181, MedGen C3554195, MONDO:0013989, OMIM 614959.

Submission:

Labcorp Genetics (formerly Invitae), Labcorp
Classification: Uncertain significance for Autosomal dominant nocturnal frontal lobe epilepsy 5; Developmental and epileptic encephalopathy, 14. Last evaluated: 2023-05-18. Review status: criteria provided, single submitter. Criteria: Invitae Variant Classification Sherloc (09022015). Collection method: clinical testing. Allele origin: germline.
Comment: This variant has not been reported in the literature in individuals affected with KCNT1-related conditions. ClinVar contains an entry for this variant (Variation ID: 854637). Advanced modeling of protein sequence and biophysical properties (such as structural, functional, and spatial information, amino acid conservation, physicochemical variation, residue mobility, and thermodynamic stability) performed at Invitae indicates that this missense variant is not expected to disrupt KCNT1 protein function. In summary, the available evidence is currently insufficient to determine the role of this variant in disease. Therefore, it has been classified as a Variant of Uncertain Significance. This sequence change replaces aspartic acid, which is acidic and polar, with glutamic acid, which is acidic and polar, at codon 1187 of the KCNT1 protein (p.Asp1187Glu). This variant is not present in population databases (gnomAD no frequency).

NM_020822.3(KCNT1):c.3561C>A (p.Asp1187Glu)

Gene: KCNT1 (potassium sodium-activated channel subfamily T member 1; plus strand). Cytogenetic location: 9q34.3.
Variant type: single nucleotide variant.
Coding change: c.3561C>A on transcript NM_020822.3 (MANE Select); coding-DNA position 3561, C replaced by A.
Protein change: p.Asp1187Glu; replaces aspartic acid 1187 with glutamic acid.
Molecular consequence: missense variant.
Genome position (GRCh38, 1-based): chr9:135,791,855, C>A. VCF-style: chr9-135791855-C-A. GRCh37 (hg19) VCF-style: chr9-138683701-C-A.
Other names: c.3489C>A, p.Asp1163Glu (NM_001272003.2); short protein forms D1163E, D1187E.
Identifiers: ClinVar variation 854637 (VCV000854637.12), dbSNP rs773695396, ClinGen allele CA375494009.